The following is an entry in ClinVar:

ClinVar aggregate classification (germline): Uncertain significance (1 of 4 stars; one submission).

Conditions:
Nephrotic syndrome, type 9 (NPHS9). Identifiers: Orphanet 656, MedGen C3809965, MONDO:0014257, OMIM 615573.

Allele frequency attached by ClinVar (database versions not stated): TOPMed below 0.00001 and 0.00001; gnomAD 0.00001.
gnomAD v4.1: 1 of 1,614,078 alleles (0.000062%); highest among the groups gnomAD compares: Non-Finnish European, 0.000085%; no homozygotes.

Submission:

Baylor Genetics
Classification: Uncertain significance for Nephrotic syndrome, type 9. Last evaluated: 2019-07-23. Review status: criteria provided, single submitter. Criteria: ACMG Guidelines, 2015. Collection method: clinical testing. Allele origin: paternal. Affected: yes.
Comment: This variant was determined to be of uncertain significance according to ACMG Guidelines, 2015 [PMID:25741868].

NM_024876.4(COQ8B):c.1186G>A (p.Glu396Lys)

Gene: COQ8B (coenzyme Q8B; minus strand). Cytogenetic location: 19q13.2.
Variant type: single nucleotide variant.
Coding change: c.1186G>A on transcript NM_024876.4 (MANE Select); coding-DNA position 1186, G replaced by A.
Protein change: p.Glu396Lys; replaces glutamic acid 396 with lysine.
Molecular consequence: missense variant.
Genome position (GRCh38, 1-based): chr19:40,696,012, C>T on the plus strand (G>A on the coding strand, the complement: COQ8B is on the minus strand). VCF-style: chr19-40696012-C-T. GRCh37 (hg19) VCF-style: chr19-41201917-C-T.
Other names: c.1063G>A, p.Glu355Lys (NM_001142555.3); short protein forms E355K, E396K.
Identifiers: ClinVar variation 1028348 (VCV001028348.1), dbSNP rs1318617277, ClinGen allele CA405959224.
Genomic context (GRCh38, chr19:40,696,012, plus strand): 5'-AGCCTTTCAGAGGCCCTGGGGTCTGGGGGAGACTCACCTCGATGTAATGGTCTGTGAACT[C>T]TGTCCCAAACTCCCGGCTTGCACCAAAGTCCAGCAGGGTCACCTGGAAGCAAGGAATGGT-3'
Protein context (NP_079152.3, residues 386-406): DFGASREFGT[Glu396Lys]FTDHYIEVVK